The following is an entry in ClinVar:

ClinVar aggregate classification (germline): Uncertain significance (1 of 4 stars; one submission).

Submission:

Labcorp Genetics (formerly Invitae), Labcorp
Classification: Uncertain significance. Last evaluated: 2025-03-20. Review status: criteria provided, single submitter. Criteria: Invitae Variant Classification Sherloc (09022015). Collection method: clinical testing. Allele origin: germline.
Comment: This sequence change replaces valine, which is neutral and non-polar, with methionine, which is neutral and non-polar, at codon 86 of the GPR143 protein (p.Val86Met). The frequency data for this variant in the population databases is considered unreliable, as metrics indicate poor data quality at this position in the gnomAD database. This variant has not been reported in the literature in individuals affected with GPR143-related conditions. Invitae Evidence Modeling of protein sequence and biophysical properties (such as structural, functional, and spatial information, amino acid conservation, physicochemical variation, residue mobility, and thermodynamic stability) indicates that this missense variant is not expected to disrupt GPR143 protein function with a negative predictive value of 95%. In summary, the available evidence is currently insufficient to determine the role of this variant in disease. Therefore, it has been classified as a Variant of Uncertain Significance.

NM_000273.3(GPR143):c.256G>A (p.Val86Met)

Gene: GPR143 (G protein-coupled receptor 143; minus strand). Cytogenetic location: Xp22.2.
Variant type: single nucleotide variant.
Coding change: c.256G>A on transcript NM_000273.3 (MANE Select); coding-DNA position 256, G replaced by A.
Protein change: p.Val86Met; replaces valine 86 with methionine.
Molecular consequence: missense variant.
Genome position (GRCh38, 1-based): chrX:9,760,821, C>T on the plus strand (G>A on the coding strand, the complement: GPR143 is on the minus strand). VCF-style: chrX-9760821-C-T. GRCh37 (hg19) VCF-style: chrX-9728861-C-T.
Other names: c.256G>A, p.Val86Met (NM_001440781.1); short protein forms V86M.
Identifiers: ClinVar variation 4765982 (VCV004765982.1).